The following is an entry in ClinVar:

NM_000142.5(FGFR3):c.616-8C>T

Gene: FGFR3 (fibroblast growth factor receptor 3; plus strand). Cytogenetic location: 4p16.3.
Variant type: single nucleotide variant.
Coding change: c.616-8C>T on transcript NM_000142.5 (MANE Select); 8 bases into the intron before coding-DNA position 616, C replaced by T.
Molecular consequence: intron variant.
Genome position (GRCh38, 1-based): chr4:1,801,612, C>T. VCF-style: chr4-1801612-C-T. GRCh37 (hg19) VCF-style: chr4-1803339-C-T.
Other names: c.616-8C>T (NM_001163213.2, NM_001354809.2, NM_001354810.2 and 1 more transcripts).
Identifiers: ClinVar variation 780441 (VCV000780441.11), dbSNP rs372304346, ClinGen allele CA2809902.

ClinVar aggregate classification (germline): Likely benign. Review status: criteria provided, multiple submitters, no conflicts (2 of 4 stars). 4 submissions from 4 submitters: Likely benign (4). Last evaluated 2025-09-07.

Conditions:
FGFR3-related disorder. Also called: FGFR3-related disorders.

Allele frequency attached by ClinVar (database versions not stated): gnomAD exomes 0.00002 and 0.00006; ExAC 0.00010; ESP Exome Variant Server 0.00015; gnomAD 0.00030 and 0.00034; TOPMed 0.00038.
gnomAD v4.1: 72 of 1,606,548 alleles (0.0045%); highest among the groups gnomAD compares: African/African-American, 0.079%; no homozygotes.

Submissions (4):

Labcorp Genetics (formerly Invitae), Labcorp
Classification: Likely benign. Last evaluated: 2025-09-07. Review status: criteria provided, single submitter. Criteria: Invitae Variant Classification Sherloc (09022015). Collection method: clinical testing. Allele origin: germline.

PreventionGenetics, part of Exact Sciences
Classification: Likely benign for FGFR3-related condition. Last evaluated: 2025-08-20. Review status: criteria provided, single submitter. Criteria: ACMG Guidelines, 2015. Collection method: clinical testing. Allele origin: germline.
Comment: This variant is classified as likely benign based on ACMG/AMP sequence variant interpretation guidelines (Richards et al. 2015 PMID: 25741868, with internal and published modifications).

Blueprint Genetics
Classification: Likely benign. Last evaluated: 2024-10-14. Review status: criteria provided, single submitter. Criteria: ACMG Guidelines, 2015. Collection method: clinical testing. Allele origin: germline.

GeneDx
Classification: Likely benign. Last evaluated: 2020-07-15. Review status: criteria provided, single submitter. Criteria: GeneDx Variant Classification Process June 2021. Collection method: clinical testing. Allele origin: germline. Affected: yes.